The following is an entry in ClinVar:

NM_005515.4(MNX1):c.852+6C>G

Genes: MNX1 (motor neuron and pancreas homeobox 1; minus strand), MNX1-AS2 (MNX1 antisense RNA 2; plus strand). Cytogenetic location: 7q36.3.
Variant type: single nucleotide variant.
Coding change: c.852+6C>G on transcript NM_005515.4 (MANE Select); 6 bases into the intron after coding-DNA position 852, C replaced by G.
Molecular consequence: intron variant.
Genome position (GRCh38, 1-based): chr7:157,006,473, G>C on the plus strand (C>G on the coding strand, the complement: MNX1 is on the minus strand). VCF-style: chr7-157006473-G-C. GRCh37 (hg19) VCF-style: chr7-156799167-G-C.
Other names: c.216+6C>G (NM_001165255.2).
Identifiers: ClinVar variation 2874852 (VCV002874852.3), dbSNP rs751908396, ClinGen allele CA2579076138.
Genomic context (GRCh38, chr7:157,006,473, plus strand): 5'-ACAAGTGCAAAGGTAACAGTGTCCCCTGGGAGGCCGGGATGCGTCGGGGGCGGGGAGGGC[G>C]CGCACCTGGGTCTCGGTGAGCATGAGCGAGGTGGCCACCTCGAAGCGCTTGGGCCGCGAC-3'

ClinVar aggregate classification (germline): Uncertain significance (1 of 4 stars; one submission).

gnomAD v4.1: 2 of 1,608,534 alleles (0.00012%); highest among the groups gnomAD compares: Non-Finnish European, 0.00017%; no homozygotes.

Submission:

Labcorp Genetics (formerly Invitae), Labcorp
Classification: Uncertain significance. Last evaluated: 2023-12-18. Review status: criteria provided, single submitter. Criteria: Invitae Variant Classification Sherloc (09022015). Collection method: clinical testing. Allele origin: germline.
Comment: This sequence change falls in intron 2 of the MNX1 gene. It does not directly change the encoded amino acid sequence of the MNX1 protein. It affects a nucleotide within the consensus splice site. This variant is not present in population databases (gnomAD no frequency). This variant has not been reported in the literature in individuals affected with MNX1-related conditions. Variants that disrupt the consensus splice site are a relatively common cause of aberrant splicing (PMID: 17576681, 9536098). Algorithms developed to predict the effect of sequence changes on RNA splicing suggest that this variant is not likely to affect RNA splicing. In summary, the available evidence is currently insufficient to determine the role of this variant in disease. Therefore, it has been classified as a Variant of Uncertain Significance.

Literature cited by the submitters: PubMed 17576681; PubMed 9536098.